The following is an entry in ClinVar:

NM_182972.3(IRF2BP2):c.1199C>A (p.Pro400Gln)

Gene: IRF2BP2 (interferon regulatory factor 2 binding protein 2; minus strand). Cytogenetic location: 1q42.3.
Variant type: single nucleotide variant.
Coding change: c.1199C>A on transcript NM_182972.3 (MANE Select); coding-DNA position 1199, C replaced by A.
Protein change: p.Pro400Gln; replaces proline 400 with glutamine.
Molecular consequence: missense variant.
Genome position (GRCh38, 1-based): chr1:234,607,702, G>T on the plus strand (C>A on the coding strand, the complement: IRF2BP2 is on the minus strand). VCF-style: chr1-234607702-G-T. GRCh37 (hg19) VCF-style: chr1-234743448-G-T.
Other names: c.1151C>A, p.Pro384Gln (NM_001077397.1); short protein forms P384Q, P400Q.
Identifiers: ClinVar variation 4768320 (VCV004768320.1).
Genomic context (GRCh38, chr1:234,607,702, plus strand): 5'-TTCTGGGCCGCTTCAGGCGGTGTGGTCCGGTTGGAATGAGGTGAGGCAGTGGGTGGTGGC[G>T]GAGACACAAAAGAGGATGTAGGAGTCATGGGGATCTTGAGCCCCTCTGTGGATGTGGACA-3'
Protein context (NP_892017.2, residues 390-410): PMTPTSSFVS[Pro400Gln]PPPTASPHSN

ClinVar aggregate classification (germline): Uncertain significance (1 of 4 stars; one submission).

gnomAD v4.1: 5 of 1,614,064 alleles (0.00031%); highest among the groups gnomAD compares: Non-Finnish European, 0.00042%; no homozygotes.

Submission:

Labcorp Genetics (formerly Invitae), Labcorp
Classification: Uncertain significance. Last evaluated: 2025-11-01. Review status: criteria provided, single submitter. Criteria: Invitae Variant Classification Sherloc (09022015). Collection method: clinical testing. Allele origin: germline.
Comment: This sequence change replaces proline, which is neutral and non-polar, with glutamine, which is neutral and polar, at codon 400 of the IRF2BP2 protein (p.Pro400Gln). This variant is not present in population databases (gnomAD no frequency). This missense change has been observed in individual(s) with common variable immunodeficiency (PMID: 40090425). It has also been observed to segregate with disease in related individuals. An algorithm developed to predict the effect of missense changes on protein structure and function (PolyPhen-2) suggests that this variant is likely to be disruptive. Experimental studies have shown that this missense change does not substantially affect IRF2BP2 function (PMID: 40090425). In summary, the available evidence is currently insufficient to determine the role of this variant in disease. Therefore, it has been classified as a Variant of Uncertain Significance.

Literature cited by the submitters: PubMed 40090425.